The following is an entry in ClinVar:

NM_001042492.3(NF1):c.6037A>T (p.Ser2013Cys)

Gene: NF1 (neurofibromin 1; plus strand). Cytogenetic location: 17q11.2.
Variant type: single nucleotide variant.
Coding change: c.6037A>T on transcript NM_001042492.3 (MANE Select); coding-DNA position 6037, A replaced by T.
Protein change: p.Ser2013Cys; replaces serine 2013 with cysteine.
Molecular consequence: missense variant.
Genome position (GRCh38, 1-based): chr17:31,336,363, A>T. VCF-style: chr17-31336363-A-T. GRCh37 (hg19) VCF-style: chr17-29663381-A-T.
Other names: c.5974A>T, p.Ser1992Cys (NM_000267.4); short protein forms S1992C, S2013C.
Identifiers: ClinVar variation 3879095 (VCV003879095.1).

ClinVar aggregate classification (germline): Uncertain significance (1 of 4 stars; one submission).

Conditions:
Cardiovascular phenotype. Identifiers: MedGen CN230736.
Hereditary cancer-predisposing syndrome. Also called: Tumor predisposition; Neoplastic Syndromes, Hereditary; Hereditary Cancer Syndrome; Hereditary neoplastic syndrome. Identifiers: Orphanet 140162, MedGen C0027672, MeSH D009386, MONDO:0015356.

Submission:

Ambry Genetics
Classification: Uncertain significance for Cardiovascular phenotype; Hereditary cancer-predisposing syndrome. Last evaluated: 2025-02-08. Review status: criteria provided, single submitter. Criteria: Ambry Variant Classification Scheme 2023. Collection method: clinical testing. Allele origin: germline.
Comment: The p.S1992C variant (also known as c.5974A>T), located in coding exon 40 of the NF1 gene, results from an A to T substitution at nucleotide position 5974. The serine at codon 1992 is replaced by cysteine, an amino acid with dissimilar properties. This amino acid position is conserved. In addition, this alteration is predicted to be deleterious by in silico analysis. Based on the available evidence, the clinical significance of this variant remains unclear.